The following is an entry in ClinVar:

ClinVar aggregate classification (germline): Uncertain significance (1 of 4 stars; one submission).

Conditions:
Cardiovascular phenotype. Identifiers: MedGen CN230736.

Submission:

Ambry Genetics
Classification: Uncertain significance for Cardiovascular phenotype. Last evaluated: 2026-06-15. Review status: criteria provided, single submitter. Criteria: Ambry Variant Classification Scheme 2023. Collection method: clinical testing. Allele origin: germline.
Comment: The p.A1855T variant (also known as c.5563G>A), located in coding exon 27 of the SCN10A gene, results from a G to A substitution at nucleotide position 5563. The alanine at codon 1855 is replaced by threonine, an amino acid with similar properties. This amino acid position is conserved. In addition, this alteration is predicted to be deleterious by in silico analysis. Based on the available evidence, the clinical significance of this variant remains unclear.

NM_006514.4(SCN10A):c.5563G>A (p.Ala1855Thr)

Gene: SCN10A (sodium voltage-gated channel alpha subunit 10; minus strand). Cytogenetic location: 3p22.2.
Variant type: single nucleotide variant.
Coding change: c.5563G>A on transcript NM_006514.4 (MANE Select); coding-DNA position 5563, G replaced by A.
Protein change: p.Ala1855Thr; replaces alanine 1855 with threonine.
Molecular consequence: missense variant.
Genome position (GRCh38, 1-based): chr3:38,697,657, C>T on the plus strand (G>A on the coding strand, the complement: SCN10A is on the minus strand). VCF-style: chr3-38697657-C-T. GRCh37 (hg19) VCF-style: chr3-38739148-C-T.
Other names: c.5560G>A, p.Ala1854Thr (NM_001293306.2); c.5269G>A, p.Ala1757Thr (NM_001293307.2); short protein forms A1757T, A1854T, A1855T.
Identifiers: ClinVar variation 5029073 (VCV005029073.1).